The following is an entry in ClinVar:

NM_002381.5(MATN3):c.447C>T (p.Ala149=)

Gene: MATN3 (matrilin 3; minus strand). Cytogenetic location: 2p24.1.
Variant type: single nucleotide variant.
Coding change: c.447C>T on transcript NM_002381.5 (MANE Select); coding-DNA position 447, C replaced by T.
Protein change: p.Ala149=; no amino-acid change (alanine 149 retained).
Molecular consequence: synonymous variant.
Genome position (GRCh38, 1-based): chr2:20,006,087, G>A on the plus strand (C>T on the coding strand, the complement: MATN3 is on the minus strand). VCF-style: chr2-20006087-G-A. GRCh37 (hg19) VCF-style: chr2-20205848-G-A.
Identifiers: ClinVar variation 195169 (VCV000195169.23), dbSNP rs28598872, ClinGen allele CA201610.

ClinVar aggregate classification (germline): Benign. Review status: criteria provided, multiple submitters, no conflicts (2 of 4 stars). 7 submissions from 7 submitters: Benign (7). Last evaluated 2026-05-08.

Conditions:
Multiple epiphyseal dysplasia type 5 (EDM5). Also called: Microepiphyseal dysplasia, bilateral hereditary; MATN3-Related Multiple Epiphyseal Dysplasia. Identifiers: Orphanet 93311, MedGen C1846843, MONDO:0011765, OMIM 607078.

Allele frequency attached by ClinVar (database versions not stated): ESP Exome Variant Server 0.43688; gnomAD 0.46576 and 0.47036; TOPMed 0.47198; ExAC 0.47539; 1000 Genomes Project 30x 0.52311; gnomAD exomes 0.44284 and 0.47485; 1000 Genomes Project 0.52476.
gnomAD v4.1: 719,286 of 1,613,562 alleles (45%); highest among the groups gnomAD compares: East Asian, 69%; 163,762 homozygotes.

Submissions (7):

Women's Health and Genetics/Laboratory Corporation of America, LabCorp
Classification: Benign. Last evaluated: 2026-05-08. Review status: criteria provided, single submitter. Criteria: LabCorp Variant Classification Summary - May 2015. Collection method: clinical testing. Allele origin: germline.

Labcorp Genetics (formerly Invitae), Labcorp
Classification: Benign. Last evaluated: 2026-02-04. Review status: criteria provided, single submitter. Criteria: Invitae Variant Classification Sherloc (09022015). Collection method: clinical testing. Allele origin: germline.

GeneDx
Classification: Benign. Last evaluated: 2018-11-12. Review status: criteria provided, single submitter. Criteria: GeneDx Variant Classification Process June 2021. Collection method: clinical testing. Allele origin: germline. Affected: yes.

Illumina Laboratory Services, Illumina
Classification: Benign for Multiple epiphyseal dysplasia type 5. Last evaluated: 2018-01-13. Review status: criteria provided, single submitter. Criteria: ICSL Variant Classification Criteria 13 December 2019. Collection method: clinical testing. Allele origin: germline.
Comment: This variant was observed in the ICSL laboratory as part of a predisposition screen in an ostensibly healthy population. It had not been previously curated by ICSL or reported in the Human Gene Mutation Database (HGMD: prior to June 1st, 2018), and was therefore a candidate for classification through an automated scoring system. Utilizing variant allele frequency, disease prevalence and penetrance estimates, and inheritance mode, an automated score was calculated to assess if this variant is too frequent to cause the disease. Based on the score and internal cut-off values, a variant classified as benign is not then subjected to further curation. The score for this variant resulted in a classification of benign for this disease.

Eurofins Ntd Llc (ga)
Classification: Benign. Last evaluated: 2015-06-08. Review status: criteria provided, single submitter. Criteria: EGL Classification Definitions 2015. Collection method: clinical testing. Allele origin: germline. Observed: 2 variant alleles, 2 heterozygotes.

Breakthrough Genomics
Classification: Benign. Review status: criteria provided, single submitter. Criteria: ACMG Guidelines, 2015. Collection method: not provided. Allele origin: germline. Inheritance: Other. Affected: yes.

PreventionGenetics, part of Exact Sciences
Classification: Benign. Review status: criteria provided, single submitter. Criteria: ACMG Guidelines, 2015. Collection method: clinical testing. Allele origin: germline.